The following is an entry in ClinVar:

ClinVar aggregate classification (germline): Conflicting classifications of pathogenicity. Review status: criteria provided, conflicting classifications (1 of 4 stars). 2 submissions from 2 submitters: Pathogenic (1); Uncertain significance (1). Last evaluated 2026-06-09.

Conditions:
Dermatitis, atopic, 2. Identifiers: MedGen C1853965, MONDO:0011596, OMIM 605803.
Ichthyosis vulgaris. Also called: ICHTHYOSIS SIMPLEX; Dominant ichthyosis vulgaris. Identifiers: MedGen C0079584, MONDO:0024304, OMIM 146700.
Inborn genetic diseases. Identifiers: MedGen C0950123, MeSH D030342.

Submissions (2):

Ambry Genetics
Classification: Pathogenic for Inborn genetic diseases. Last evaluated: 2026-06-09. Review status: criteria provided, single submitter. Criteria: Ambry Variant Classification Scheme 2023. Collection method: clinical testing. Allele origin: germline.
Comment: The c.1123C>T (p.Q375*) alteration, located in exon 3 (coding exon 2) of the FLG gene, consists of a C to T substitution at nucleotide position 1123. This changes the amino acid from a glutamine (Q) to a stop codon at amino acid position 375. This variant is not expected to trigger nonsense-mediated mRNA decay, and impacts the last 90% of the protein. However, premature stop codons are typically deleterious in nature, the impacted region is critical for protein function, and a significant portion of the protein is affected (Ambry internal data). Based on data from gnomAD, the T allele has an overall frequency of 0.003% (8/282880) total alleles studied. The highest observed frequency was 0.005% (7/129182) of European (non-Finnish) alleles. Based on the available evidence, this alteration is classified as pathogenic.

Juno Genomics, Hangzhou Juno Genomics, Inc
Classification: Uncertain significance for Dermatitis, atopic, 2; Ichthyosis vulgaris. Review status: criteria provided, single submitter. Criteria: ACMG Guidelines, 2015. Collection method: clinical testing. Allele origin: germline.
Comment: Absent from controls (or at extremely low frequency if recessive) in Genome Aggregation Database.;Null variant in a gene where loss of function (LOF) is a known mechanism of disease.

NM_002016.2(FLG):c.1123C>T (p.Gln375Ter)

Genes: CCDST (cervical cancer associated DHX9 suppressive transcript; plus strand), FLG (filaggrin; minus strand). Cytogenetic location: 1q21.3.
Variant type: single nucleotide variant.
Coding change: c.1123C>T on transcript NM_002016.2 (MANE Select); coding-DNA position 1123, C replaced by T.
Protein change: p.Gln375Ter; replaces glutamine 375 with a stop codon.
Molecular consequence: nonsense. On other transcripts: non-coding transcript variant (1).
Genome position (GRCh38, 1-based): chr1:152,313,763, G>A on the plus strand (C>T on the coding strand, the complement: FLG is on the minus strand). VCF-style: chr1-152313763-G-A. GRCh37 (hg19) VCF-style: chr1-152286239-G-A.
Other names: short protein forms Q375*.
Identifiers: ClinVar variation 4871400 (VCV004871400.3).